The following is an entry in ClinVar:

ClinVar aggregate classification (germline): Uncertain significance. Review status: criteria provided, multiple submitters, no conflicts (2 of 4 stars). 2 submissions from 2 submitters: Uncertain significance (2). Last evaluated 2025-12-19.

Conditions:
Hereditary cancer-predisposing syndrome. Also called: Neoplastic Syndromes, Hereditary; Tumor predisposition; Hereditary Cancer Syndrome; Hereditary neoplastic syndrome. Identifiers: Orphanet 140162, MedGen C0027672, MeSH D009386, MONDO:0015356.
DICER1-related tumor predisposition. Also called: DICER1 syndrome; DICER1-related pleuropulmonary blastoma cancer predisposition syndrome. Identifiers: Orphanet 284343, MedGen C3839822, MONDO:0100216.

Allele frequency attached by ClinVar (database versions not stated): gnomAD exomes below 0.00001.
gnomAD v4.1: 2 of 1,614,160 alleles (0.00012%); highest among the groups gnomAD compares: Non-Finnish European, 0.00017%; no homozygotes.

Submissions (2):

Ambry Genetics
Classification: Uncertain significance for Hereditary cancer-predisposing syndrome. Last evaluated: 2025-12-19. Review status: criteria provided, single submitter. Criteria: Ambry Variant Classification Scheme 2023. Collection method: clinical testing. Allele origin: germline.
Comment: The p.V615L variant (also known as c.1843G>T), located in coding exon 10 of the DICER1 gene, results from a G to T substitution at nucleotide position 1843. The valine at codon 615 is replaced by leucine, an amino acid with highly similar properties. This amino acid position is highly conserved in available vertebrate species. In addition, this alteration is predicted to be tolerated by in silico analysis. Based on the available evidence, the clinical significance of this variant remains unclear.

Labcorp Genetics (formerly Invitae), Labcorp
Classification: Uncertain significance for DICER1-related tumor predisposition. Last evaluated: 2025-08-24. Review status: criteria provided, single submitter. Criteria: Invitae Variant Classification Sherloc (09022015). Collection method: clinical testing. Allele origin: germline.
Comment: This sequence change replaces valine, which is neutral and non-polar, with leucine, which is neutral and non-polar, at codon 615 of the DICER1 protein (p.Val615Leu). This variant is present in population databases (no rsID available, gnomAD 0.0009%). This variant has not been reported in the literature in individuals affected with DICER1-related conditions. ClinVar contains an entry for this variant (Variation ID: 1415157). Invitae Evidence Modeling of protein sequence and biophysical properties (such as structural, functional, and spatial information, amino acid conservation, physicochemical variation, residue mobility, and thermodynamic stability) indicates that this missense variant is not expected to disrupt DICER1 protein function with a negative predictive value of 95%. In summary, the available evidence is currently insufficient to determine the role of this variant in disease. Therefore, it has been classified as a Variant of Uncertain Significance.

NM_177438.3(DICER1):c.1843G>T (p.Val615Leu)

Gene: DICER1 (dicer 1, ribonuclease III; minus strand). Cytogenetic location: 14q32.13.
Variant type: single nucleotide variant.
Coding change: c.1843G>T on transcript NM_177438.3 (MANE Select); coding-DNA position 1843, G replaced by T.
Protein change: p.Val615Leu; replaces valine 615 with leucine.
Molecular consequence: missense variant.
Genome position (GRCh38, 1-based): chr14:95,115,731, C>A on the plus strand (G>T on the coding strand, the complement: DICER1 is on the minus strand). VCF-style: chr14-95115731-C-A. GRCh37 (hg19) VCF-style: chr14-95582068-C-A.
Other names: c.1843G>T, p.Val615Leu (NM_001195573.1, NM_001271282.3, NM_001291628.2 and 1 more transcripts); short protein forms V615L.
Identifiers: ClinVar variation 1415157 (VCV001415157.10), dbSNP rs1315795741, ClinGen allele CA390884008.